The following is an entry in ClinVar:

NM_000238.4(KCNH2):c.2768C>A (p.Pro923Gln)

Gene: KCNH2 (potassium voltage-gated channel subfamily H member 2; minus strand). Cytogenetic location: 7q36.1.
Variant type: single nucleotide variant.
Coding change: c.2768C>A on transcript NM_000238.4 (MANE Select); coding-DNA position 2768, C replaced by A.
Protein change: p.Pro923Gln; replaces proline 923 with glutamine.
Molecular consequence: missense variant.
Genome position (GRCh38, 1-based): chr7:150,947,803, G>T on the plus strand (C>A on the coding strand, the complement: KCNH2 is on the minus strand). VCF-style: chr7-150947803-G-T. GRCh37 (hg19) VCF-style: chr7-150644891-G-T.
Other names: c.1748C>A, p.Pro583Gln (NM_172057.3); short protein forms P583Q, P923Q.
Identifiers: ClinVar variation 1008348 (VCV001008348.11), dbSNP rs760408746, ClinGen allele CA369853434.

ClinVar aggregate classification (germline): Uncertain significance. Review status: criteria provided, multiple submitters, no conflicts (2 of 4 stars). 3 submissions from 3 submitters: Uncertain significance (3). Last evaluated 2024-04-22.

Conditions:
Cardiovascular phenotype. Identifiers: MedGen CN230736.
Long QT syndrome (LQTS). Identifiers: MedGen C0023976, MeSH D008133, MONDO:0002442. Disease mechanism: loss of function. Inheritance: Various modes of inheritance.

Submissions (3):

Labcorp Genetics (formerly Invitae), Labcorp
Classification: Uncertain significance for Long QT syndrome. Last evaluated: 2024-04-22. Review status: criteria provided, single submitter. Criteria: Invitae Variant Classification Sherloc (09022015). Collection method: clinical testing. Allele origin: germline.
Comment: This sequence change replaces proline, which is neutral and non-polar, with glutamine, which is neutral and polar, at codon 923 of the KCNH2 protein (p.Pro923Gln). The frequency data for this variant in the population databases is considered unreliable, as metrics indicate poor data quality at this position in the gnomAD database. This variant has not been reported in the literature in individuals affected with KCNH2-related conditions. ClinVar contains an entry for this variant (Variation ID: 1008348). Algorithms developed to predict the effect of missense changes on protein structure and function output the following: SIFT: "Not Available"; PolyPhen-2: "Benign"; Align-GVGD: "Not Available". The glutamine amino acid residue is found in multiple mammalian species, which suggests that this missense change does not adversely affect protein function. In summary, the available evidence is currently insufficient to determine the role of this variant in disease. Therefore, it has been classified as a Variant of Uncertain Significance.

All of Us Research Program, National Institutes of Health
Classification: Uncertain significance for Long QT syndrome. Last evaluated: 2023-06-28. Review status: criteria provided, single submitter. Criteria: ACMG Guidelines, 2015. Collection method: clinical testing. Allele origin: germline. Inheritance: Autosomal dominant inheritance. Observed: 1 variant allele, 1 heterozygote.
Comment: This study involves interpretation of variants in research participants for the purpose of population health screening. Participant phenotype was not available at the time of variant classification. Additional details can be found in publication PMID: 35346344, PMCID: PMC8962531

Ambry Genetics
Classification: Uncertain significance for Cardiovascular phenotype. Last evaluated: 2018-05-10. Review status: criteria provided, single submitter. Criteria: Ambry Variant Classification Scheme 2023. Collection method: clinical testing. Allele origin: germline.
Comment: The p.P923Q variant (also known as c.2768C>A), located in coding exon 12 of the KCNH2 gene, results from a C to A substitution at nucleotide position 2768. The proline at codon 923 is replaced by glutamine, an amino acid with similar properties. This amino acid position is not well conserved in available vertebrate species, and glutamine is the reference amino acid in other vertebrate species. In addition, the in silico prediction for this alteration is inconclusive. Since supporting evidence is limited at this time, the clinical significance of this alteration remains unclear.